The following is an entry in ClinVar:

ClinVar aggregate classification (germline): Uncertain significance (1 of 4 stars; one submission).

Conditions:
Neuropathy, hereditary sensory and autonomic, type 2A (HSAN2A). Also called: ACROOSTEOLYSIS, GIACCAI TYPE; ACROOSTEOLYSIS, NEUROGENIC; MORVAN DISEASE; NEUROPATHY, CONGENITAL SENSORY; NEUROPATHY, HEREDITARY SENSORY RADICULAR, AUTOSOMAL RECESSIVE; NEUROPATHY, HEREDITARY SENSORY, TYPE IIA. Identifiers: Orphanet 970, MedGen C2752089, MONDO:0024309, OMIM 201300.
Pseudohypoaldosteronism type 2C (PHA2C). Also called: Pseudohypoaldosteronism Type IIC. Identifiers: Orphanet 757, Orphanet 88940, MedGen C1840391, MONDO:0013778, OMIM 614492.

Submission:

Labcorp Genetics (formerly Invitae), Labcorp
Classification: Uncertain significance for Neuropathy, hereditary sensory and autonomic, type 2A; Pseudohypoaldosteronism type 2C. Last evaluated: 2024-05-02. Review status: criteria provided, single submitter. Criteria: Invitae Variant Classification Sherloc (09022015). Collection method: clinical testing. Allele origin: germline.
Comment: This sequence change replaces lysine, which is basic and polar, with arginine, which is basic and polar, at codon 1480 of the WNK1 protein (p.Lys1480Arg). This variant is not present in population databases (gnomAD no frequency). This variant has not been reported in the literature in individuals affected with WNK1-related conditions. Advanced modeling of protein sequence and biophysical properties (such as structural, functional, and spatial information, amino acid conservation, physicochemical variation, residue mobility, and thermodynamic stability) performed at Invitae indicates that this missense variant is not expected to disrupt WNK1 protein function with a negative predictive value of 95%. In summary, the available evidence is currently insufficient to determine the role of this variant in disease. Therefore, it has been classified as a Variant of Uncertain Significance.

NM_018979.4(WNK1):c.3683A>G (p.Lys1228Arg)

Gene: WNK1 (WNK lysine deficient protein kinase 1; plus strand). Cytogenetic location: 12p13.33.
Variant type: single nucleotide variant.
Coding change: c.3683A>G on transcript NM_018979.4 (MANE Select); coding-DNA position 3683, A replaced by G.
Protein change: p.Lys1228Arg; replaces lysine 1228 with arginine.
Molecular consequence: missense variant.
Genome position (GRCh38, 1-based): chr12:883,793, A>G. VCF-style: chr12-883793-A-G. GRCh37 (hg19) VCF-style: chr12-992959-A-G.
Other names: c.4439A>G, p.Lys1480Arg (NM_213655.5); c.4463A>G, p.Lys1488Arg (NM_001184985.2); c.2942A>G, p.Lys981Arg (NM_014823.3); short protein forms K1228R, K1480R, K1488R, K981R.
Identifiers: ClinVar variation 3753837 (VCV003753837.2).